The following is an entry in ClinVar:

NM_024649.5(BBS1):c.830+72A>G

Genes: ZDHHC24 (zDHHC palmitoyltransferase 24; minus strand), BBS1 (Bardet-Biedl syndrome 1; plus strand). Cytogenetic location: 11q13.2.
Variant type: single nucleotide variant.
Coding change: c.830+72A>G on transcript NM_024649.5 (MANE Select); 72 bases into the intron after coding-DNA position 830, A replaced by G.
Molecular consequence: intron variant. On other transcripts: 3 prime UTR variant (1).
Genome position (GRCh38, 1-based): chr11:66,521,448, A>G. VCF-style: chr11-66521448-A-G. GRCh37 (hg19) VCF-style: chr11-66288919-A-G.
Other names: c.*40T>C (NM_001348571.2).
Identifiers: ClinVar variation 1678637 (VCV001678637.4), dbSNP rs2134785377, ClinGen allele CA915940271.

ClinVar aggregate classification (germline): Uncertain significance (1 of 4 stars; one submission).

Conditions:
Bardet-Biedl syndrome 1 (BBS1). Identifiers: MedGen C2936862, MONDO:0008854, OMIM 209900. Disease mechanism: loss of function.

Allele frequency attached by ClinVar (database versions not stated): gnomAD exomes below 0.00001.
gnomAD v4.1: 2 of 1,197,182 alleles (0.00017%); highest among the groups gnomAD compares: Admixed American, 0.0017%; no homozygotes.

Submission:

Molecular Genetics, Royal Melbourne Hospital
Classification: Uncertain significance for Bardet-Biedl syndrome 1. Last evaluated: 2020-11-30. Review status: criteria provided, single submitter. Criteria: ACMG Guidelines, 2015. Collection method: clinical testing. Allele origin: germline. Affected: yes.
Comment: This sequence change falls 72 bp downstream of the donor site of intron 9 of BBS1. It is absent in the gnomAD population cohort genomes (0/31,410 alleles, gnomAD v2.1 - PM2). This variant has not been reported previously. It is predicted to create a de novo donor splice site in intron 9 that is higher scoring than the native donor site for exon 9 (HSF, MaxEntScan, NNSplice - PP3). The predicted impact of the de novo donor is the retention of the first 71 bp of intron 9, leading to the creation of a premature termination codon and an absent/truncated protein. This prediction has not been confirmed by RNA splicing assays. There is low conservation at this nucleotide position, due to presence of gaps in the alignment of the intronic region (100 vertebrates, UCSC). Based on the classification scheme RMH ACMG Guidelines v1.1.1, this variant is classified as a VARIANT of UNCERTAIN SIGNIFICANCE, with potential clinical relevance. Following criteria are met: PM2, PM3_Supporting, PP3